The following is an entry in ClinVar:

ClinVar aggregate classification (germline): Likely benign (1 of 4 stars; one submission).

Allele frequency attached by ClinVar (database versions not stated): TOPMed 0.00001.
gnomAD v4.1: 8 of 1,467,656 alleles (0.00055%); highest among the groups gnomAD compares: Admixed American, 0.0035%; no homozygotes.

Submission:

GeneDx
Classification: Likely benign. Last evaluated: 2017-10-19. Review status: criteria provided, single submitter. Criteria: GeneDx Variant Classification (06012015). Collection method: clinical testing. Allele origin: germline. Affected: yes.
Comment: This variant is considered likely benign or benign based on one or more of the following criteria: it is a conservative change, it occurs at a poorly conserved position in the protein, it is predicted to be benign by multiple in silico algorithms, and/or has population frequency not consistent with disease.

NM_001037.5(SCN1B):c.6-19C>G

Gene: SCN1B (sodium voltage-gated channel beta subunit 1; plus strand). Cytogenetic location: 19q13.11.
Variant type: single nucleotide variant.
Coding change: c.6-19C>G on transcript NM_001037.5 (MANE Select); 19 bases into the intron before coding-DNA position 6, C replaced by G.
Molecular consequence: intron variant.
Genome position (GRCh38, 1-based): chr19:35,039,778, C>G. VCF-style: chr19-35039778-C-G. GRCh37 (hg19) VCF-style: chr19-35530682-C-G.
Other names: c.6-19C>G (NM_001321605.2).
Identifiers: ClinVar variation 506418 (VCV000506418.1), dbSNP rs1442747292, ClinGen allele CA658799187.